The following is an entry in ClinVar:

NM_001195518.2(MICU1):c.903_908del (p.Lys302_Leu303del)

Gene: MICU1 (mitochondrial calcium uptake 1; minus strand). Cytogenetic location: 10q22.1.
Variant type: Deletion.
Coding change: c.903_908del on transcript NM_001195518.2 (MANE Select); coding-DNA positions 903 to 908, 6 bases deleted (TAAACT; older notation c.903_908delTAAACT).
Protein change: p.Lys302_Leu303del.
Molecular consequence: inframe deletion.
Genome position (GRCh38, 1-based): chr10:72,475,125-72,475,130, AGTTTA deleted on the plus strand (TAAACT on the coding strand, the reverse complement: MICU1 is on the minus strand). VCF-style (leftmost placement, unchanged base first): chr10-72475124-CAGTTTA-C. GRCh37 (hg19) VCF-style: chr10-74234882-CAGTTTA-C.
Other names: c.309_314del, p.Lys104_Leu105del (NM_001195519.2); c.921_926del, p.Lys308_Leu309del (NM_001363513.2); c.909_914del, p.Lys304_Leu305del (NM_006077.4).
Identifiers: ClinVar variation 2126505 (VCV002126505.4), dbSNP rs2495369352, ClinGen allele CA2580081898.

ClinVar aggregate classification (germline): Uncertain significance (1 of 4 stars; one submission).

Submission:

Labcorp Genetics (formerly Invitae), Labcorp
Classification: Uncertain significance. Last evaluated: 2022-04-15. Review status: criteria provided, single submitter. Criteria: Invitae Variant Classification Sherloc (09022015). Collection method: clinical testing. Allele origin: germline.
Comment: This variant has not been reported in the literature in individuals affected with MICU1-related conditions. In summary, the available evidence is currently insufficient to determine the role of this variant in disease. Therefore, it has been classified as a Variant of Uncertain Significance. Experimental studies and prediction algorithms are not available or were not evaluated, and the functional significance of this variant is currently unknown. This variant is not present in population databases (gnomAD no frequency). This variant, c.909_914del, results in the deletion of 2 amino acid(s) of the MICU1 protein (p.Lys304_Leu305del), but otherwise preserves the integrity of the reading frame.